The following is an entry in ClinVar:

NM_172250.3(MMAA):c.1037A>G (p.Gln346Arg)

Gene: MMAA (metabolism of cobalamin associated A; plus strand). Cytogenetic location: 4q31.21.
Variant type: single nucleotide variant.
Coding change: c.1037A>G on transcript NM_172250.3 (MANE Select); coding-DNA position 1037, A replaced by G.
Protein change: p.Gln346Arg; replaces glutamine 346 with arginine.
Molecular consequence: missense variant.
Genome position (GRCh38, 1-based): chr4:145,655,214, A>G. VCF-style: chr4-145655214-A-G. GRCh37 (hg19) VCF-style: chr4-146576366-A-G.
Other names: c.1037A>G, p.Gln346Arg (NM_001375644.1); short protein forms Q346R.
Identifiers: ClinVar variation 2888874 (VCV002888874.3), dbSNP rs1728192890, ClinGen allele CA358345365.

ClinVar aggregate classification (germline): Uncertain significance (1 of 4 stars; one submission).

Conditions:
Methylmalonic aciduria, cblA type (MACA). Also called: Methylmalonic aciduria, vitamin B12-responsive; Vitamin B12-responsive methylmalonic acidemia type cblA; Methylmalonic aciduria, vitamin b12-responsive, due to defect in synthesis of adenosylcobalamin, cbla complementation type; MMA cbl A type; Methylmalonic acidemia cblA type. Identifiers: Orphanet 28, Orphanet 79310, MedGen C1855109, MONDO:0009613, OMIM 251100.

Allele frequency attached by ClinVar (database versions not stated): TOPMed below 0.00001.

Submission:

Labcorp Genetics (formerly Invitae), Labcorp
Classification: Uncertain significance for Methylmalonic aciduria, cblA type. Last evaluated: 2025-08-11. Review status: criteria provided, single submitter. Criteria: Invitae Variant Classification Sherloc (09022015). Collection method: clinical testing. Allele origin: germline.
Comment: This sequence change replaces glutamine, which is neutral and polar, with arginine, which is basic and polar, at codon 346 of the MMAA protein (p.Gln346Arg). This variant is not present in population databases (gnomAD no frequency). This variant has not been reported in the literature in individuals affected with MMAA-related conditions. ClinVar contains an entry for this variant (Variation ID: 2888874). Invitae Evidence Modeling of protein sequence and biophysical properties (such as structural, functional, and spatial information, amino acid conservation, physicochemical variation, residue mobility, and thermodynamic stability) indicates that this missense variant is not expected to disrupt MMAA protein function with a negative predictive value of 80%. In summary, the available evidence is currently insufficient to determine the role of this variant in disease. Therefore, it has been classified as a Variant of Uncertain Significance.